The following is an entry in ClinVar:

ClinVar aggregate classification (germline): not provided (0 of 4 stars; one submission).

Allele frequency attached by ClinVar (database versions not stated): gnomAD exomes below 0.00001; gnomAD 0.00001; TOPMed 0.00001.
gnomAD v4.1: 4 of 623,010 alleles (0.00064%); highest among the groups gnomAD compares: African/African-American, 0.0073%; no homozygotes.

Submission:

Human Evolutionary Genetics, Institut Pasteur
No classification provided. Review status: no classification provided. Collection method: not provided. Allele origin: germline.
ClinVar note: Converted during submission from untested to not provided.

NM_001370466.1(NOD2):c.*192T>C

Genes: CYLD-AS1 (CYLD antisense RNA 1; minus strand), NOD2 (nucleotide binding oligomerization domain containing 2; plus strand). Cytogenetic location: 16q12.1.
Variant type: single nucleotide variant.
Coding change: c.*192T>C on transcript NM_001370466.1 (MANE Select); 192 bases downstream of the stop codon, T replaced by C.
Molecular consequence: 3 prime UTR variant. On other transcripts: non-coding transcript variant (1).
Genome position (GRCh38, 1-based): chr16:50,732,011, T>C. VCF-style: chr16-50732011-T-C. GRCh37 (hg19) VCF-style: chr16-50765922-T-C.
Other names: c.*192T>C (LRG_177t1, NM_001293557.2, NM_022162.3).
Identifiers: ClinVar variation 103111 (VCV000103111.2), dbSNP rs199475925, ClinGen allele CA230132.